The following is an entry in ClinVar:

ClinVar aggregate classification (germline): Pathogenic. Review status: criteria provided, single submitter (1 of 4 stars). 2 submissions from 2 submitters: Pathogenic (1). 1 of the submissions does not count toward it. Last evaluated 2021-05-06.

Conditions:
Curry-Hall syndrome (WAD). Also called: WEYERS ACRODENTAL DYSOSTOSIS. Identifiers: Orphanet 952, MedGen C0457013, MONDO:0008673, OMIM 193530.

Submissions (2):

Victorian Clinical Genetics Services, Murdoch Childrens Research Institute
Classification: Pathogenic for Curry-Hall syndrome. Last evaluated: 2021-05-06. Review status: criteria provided, single submitter. Criteria: ACMG Guidelines, 2015. Collection method: clinical testing. Allele origin: germline. Inheritance: Autosomal dominant inheritance. Affected: yes.
Comment: Based on the classification scheme VCGS_Germline_v1.3.4, this variant is classified as Pathogenic. Following criteria are met: 0103 - Loss of function is a known mechanisms of disease in this gene and are associated with recessive Ellis-van Creveld syndrome (MIM#225500). Gain of function and dominant negative is likely the mechanism associated with dominant Weyers acrofacial dysostosis(MIM#193530) (PMID: 19810119). (I) 0108 - This gene is associated with both recessive and dominant disease (OMIM). (I) 0205 - Variant is predicted to result in a truncated protein (premature termination codon is NOT located at least 54 nucleotides upstream of the final exon-exon junction) with less than 1/3 of the protein sequence affected. (SP) 0251 - This variant is heterozygous. (I) 0301 - Variant is absent from gnomAD (both v2 and v3). (SP) 0602 - Variant is located in a hotspot region or cluster of pathogenic variants (PMID: 23220543). (SP) 0710 - Another truncating variant downstream to the one identified in this case has inconclusive previous evidence for pathogenicity. A downstream trucating variant (p.Pro1288Leufs*9) has been reported as VUS (ClinVar). (I) 0803 - This variant has limited previous evidence of pathogenicity in an unrelated individual. This variant has been reported in two de novo patients with Weyers acrofacial dysostosis (MIM#193530) (PMID: 23220543, Poster presentation). (SP) 0905 - No published segregation evidence has been identified for this variant. (I) 1007 - No published functional evidence has been identified for this variant. (I) 1102 - Strong phenotype match for this individual. (SP) 1208 - Inheritance information for this variant is not currently available in this individual. (I) Legend: (SP) - Supporting pathogenic, (I) - Information, (SB) - Supporting benign

OMIM
Classification: Pathogenic for WEYERS ACROFACIAL DYSOSTOSIS. Last evaluated: 2013-02-01. Review status: no assertion criteria provided. Collection method: literature only. Allele origin: germline. Not counted in ClinVar's aggregate classification.

Literature cited by the submitters: PubMed 19810119 (cited by Victorian Clinical Genetics Services, Murdoch Childrens Research Institute); PubMed 23220543 (cited by Victorian Clinical Genetics Services, Murdoch Childrens Research Institute and OMIM).

NM_147127.5(EVC2):c.3805G>T (p.Gly1269Ter)

Gene: EVC2 (EvC ciliary complex subunit 2; minus strand). Cytogenetic location: 4p16.2.
Variant type: single nucleotide variant.
Coding change: c.3805G>T on transcript NM_147127.5 (MANE Select); coding-DNA position 3805, G replaced by T.
Protein change: p.Gly1269Ter; replaces glycine 1269 with a stop codon.
Molecular consequence: nonsense.
Genome position (GRCh38, 1-based): chr4:5,562,970, C>A on the plus strand (G>T on the coding strand, the complement: EVC2 is on the minus strand). VCF-style: chr4-5562970-C-A. GRCh37 (hg19) VCF-style: chr4-5564697-C-A.
Other names: c.3565G>T, p.Gly1189Ter (NM_001166136.2); short protein forms G1269*, G1189*.
Identifiers: ClinVar variation 102432 (VCV000102432.3), dbSNP rs1560121645, ClinGen allele CA356146477.